The following is an entry in ClinVar:

ClinVar aggregate classification (germline): Uncertain significance. Review status: criteria provided, multiple submitters, no conflicts (2 of 4 stars). 2 submissions from 2 submitters: Uncertain significance (2). Last evaluated 2026-09-01.

Submissions (2):

CeGaT Center for Human Genetics Tuebingen
Classification: Uncertain significance. Last evaluated: 2026-09-01. Review status: criteria provided, single submitter. Criteria: CeGaT Center For Human Genetics Tuebingen Variant Classification Criteria Version 2. Collection method: clinical testing. Allele origin: germline. Affected: yes. Observed: 1 variant allele.
Comment: USP7: PM2, PS2:Moderate, PP2

Labcorp Genetics (formerly Invitae), Labcorp
Classification: Uncertain significance. Last evaluated: 2021-03-25. Review status: criteria provided, single submitter. Criteria: Invitae Variant Classification Sherloc (09022015). Collection method: clinical testing. Allele origin: germline.
Comment: This variant is not present in population databases (ExAC no frequency). In summary, the available evidence is currently insufficient to determine the role of this variant in disease. Therefore, it has been classified as a Variant of Uncertain Significance. Algorithms developed to predict the effect of missense changes on protein structure and function (SIFT, PolyPhen-2, Align-GVGD) all suggest that this variant is likely to be disruptive, but these predictions have not been confirmed by published functional studies and their clinical significance is uncertain. This variant has not been reported in the literature in individuals with USP7-related conditions. This sequence change replaces histidine with aspartic acid at codon 156 of the USP7 protein (p.His156Asp). The histidine residue is highly conserved and there is a moderate physicochemical difference between histidine and aspartic acid.

NM_003470.3(USP7):c.466C>G (p.His156Asp)

Gene: USP7 (ubiquitin specific peptidase 7; minus strand). Cytogenetic location: 16p13.2.
Variant type: single nucleotide variant.
Coding change: c.466C>G on transcript NM_003470.3 (MANE Select); coding-DNA position 466, C replaced by G.
Protein change: p.His156Asp; replaces histidine 156 with aspartic acid.
Molecular consequence: missense variant. On other transcripts: non-coding transcript variant (1).
Genome position (GRCh38, 1-based): chr16:8,921,213, G>C on the plus strand (C>G on the coding strand, the complement: USP7 is on the minus strand). VCF-style: chr16-8921213-G-C. GRCh37 (hg19) VCF-style: chr16-9015070-G-C.
Other names: c.418C>G, p.His140Asp (NM_001286457.2); c.169C>G, p.His57Asp (NM_001286458.2); c.292C>G, p.His98Asp (NM_001321858.2); short protein forms H156D, H140D, H57D, H98D.
Identifiers: ClinVar variation 1519588 (VCV001519588.7), dbSNP rs2141211601, ClinGen allele CA394704805.